The following is an entry in ClinVar:

ClinVar aggregate classification (germline): Pathogenic (1 of 4 stars; one submission).

Conditions:
Gorlin syndrome. Also called: Nevoid Basal Cell Carcinoma Syndrome; Basal cell nevus syndrome. Identifiers: Orphanet 377, MedGen C0004779, MONDO:0007187.

Submission:

Labcorp Genetics (formerly Invitae), Labcorp
Classification: Pathogenic for Gorlin syndrome. Last evaluated: 2022-11-12. Review status: criteria provided, single submitter. Criteria: Invitae Variant Classification Sherloc (09022015). Collection method: clinical testing. Allele origin: germline.
Comment: For these reasons, this variant has been classified as Pathogenic. This variant has not been reported in the literature in individuals affected with PTCH1-related conditions. This sequence change creates a premature translational stop signal (p.Trp256Aspfs*28) in the PTCH1 gene. It is expected to result in an absent or disrupted protein product. Loss-of-function variants in PTCH1 are known to be pathogenic (PMID: 16301862, 16419085). This variant is not present in population databases (gnomAD no frequency).

Literature cited by the submitters: PubMed 16301862; PubMed 16419085.

NM_000264.5(PTCH1):c.766_767del (p.Trp256fs)

Gene: PTCH1 (patched 1; minus strand). Cytogenetic location: 9q22.32.
Variant type: Deletion.
Coding change: c.766_767del on transcript NM_000264.5 (MANE Select); coding-DNA positions 766 to 767, 2 bases deleted (TG; older notation c.766_767delTG).
Protein change: p.Trp256fs; shifts the reading frame from tryptophan 256.
Molecular consequence: frameshift variant. On other transcripts: non-coding transcript variant (1).
Genome position (GRCh38, 1-based): chr9:95,480,568-95,480,569, CA deleted on the plus strand (TG on the coding strand, the reverse complement: PTCH1 is on the minus strand); deleting any 2 consecutive bases within chr9:95,480,568-95,480,570 gives the same sequence; the c. name uses the placement nearest the transcript's 3' end. VCF-style (leftmost placement, unchanged base first): chr9-95480567-CCA-C. GRCh37 (hg19) VCF-style: chr9-98242849-CCA-C.
Other names: c.568_569del, p.Trp190fs (NM_001083602.3); c.763_764del, p.Trp255fs (NM_001083603.3); c.313_314del, p.Trp105fs (NM_001083604.3, NM_001083605.3, NM_001083606.3 and 1 more transcripts); c.766_767del, p.Trp256fs (NM_001354918.2); short protein forms W255fs, W105fs, W190fs, W256fs.
Identifiers: ClinVar variation 2813917 (VCV002813917.3), dbSNP rs2538234144, ClinGen allele CA2739264793.